The following is an entry in ClinVar:

NM_001105206.3(LAMA4):c.4821+37T>G

Gene: LAMA4 (laminin subunit alpha 4; minus strand). Cytogenetic location: 6q21.
Variant type: single nucleotide variant.
Coding change: c.4821+37T>G on transcript NM_001105206.3 (MANE Select); 37 bases into the intron after coding-DNA position 4821, T replaced by G.
Molecular consequence: intron variant.
Genome position (GRCh38, 1-based): chr6:112,119,119, A>C on the plus strand (T>G on the coding strand, the complement: LAMA4 is on the minus strand). VCF-style: chr6-112119119-A-C. GRCh37 (hg19) VCF-style: chr6-112440322-A-C.
Other names: c.4800+37T>G (NM_002290.5, NM_001105207.3).
Identifiers: ClinVar variation 673731 (VCV000673731.2), dbSNP rs116048251, ClinGen allele CA3964900.
Genomic context (GRCh38, chr6:112,119,119, plus strand): 5'-CTAGTTTCTAGTTTCCTAATCTGTGAGACGAGGGCCTCAATTAGATGATCTTCTGGCTCT[A>C]ATGGTCAATGGCTCTACCTGGTCATGCCTGGCTTACCTGAACATTTTTCACAGCCTTTCC-3'

ClinVar aggregate classification (germline): Likely benign. Review status: criteria provided, multiple submitters, no conflicts (2 of 4 stars). 2 submissions from 2 submitters: Likely benign (2). Last evaluated 2018-06-19.

Allele frequency attached by ClinVar (database versions not stated): gnomAD 0.01059 and 0.01143; TOPMed 0.01232; 1000 Genomes Project 0.01258; ESP Exome Variant Server 0.01269; 1000 Genomes Project 30x 0.01312.
gnomAD v4.1: 3,633 of 1,609,150 alleles (0.23%); highest among the groups gnomAD compares: African/African-American, 3.5%; 57 homozygotes.

Submissions (2):

GeneDx
Classification: Likely benign. Last evaluated: 2018-06-19. Review status: criteria provided, single submitter. Criteria: GeneDx Variant Classification (06012015). Collection method: clinical testing. Allele origin: germline. Affected: yes.
Comment: This variant is considered likely benign or benign based on one or more of the following criteria: it is a conservative change, it occurs at a poorly conserved position in the protein, it is predicted to be benign by multiple in silico algorithms, and/or has population frequency not consistent with disease.

Breakthrough Genomics
Classification: Likely benign. Review status: criteria provided, single submitter. Criteria: ACMG Guidelines, 2015. Collection method: not provided. Allele origin: germline. Inheritance: Autosomal dominant inheritance. Affected: yes.